The following is an entry in ClinVar:

NM_000492.4(CFTR):c.2095A>G (p.Asn699Asp)

Gene: CFTR (CF transmembrane conductance regulator; plus strand). Cytogenetic location: 7q31.2.
Variant type: single nucleotide variant.
Coding change: c.2095A>G on transcript NM_000492.4 (MANE Select); coding-DNA position 2095, A replaced by G.
Protein change: p.Asn699Asp; replaces asparagine 699 with aspartic acid.
Molecular consequence: missense variant.
Genome position (GRCh38, 1-based): chr7:117,592,262, A>G. VCF-style: chr7-117592262-A-G. GRCh37 (hg19) VCF-style: chr7-117232316-A-G.
Other names: short protein forms N699D.
Identifiers: ClinVar variation 4227432 (VCV004227432.1).

ClinVar aggregate classification (germline): Uncertain significance (1 of 4 stars; one submission).

Conditions:
Cystic fibrosis (CF). Also called: MUCOVISCIDOSIS. Identifiers: Orphanet 586, MedGen C0010674, MONDO:0009061, OMIM 219700. Disease mechanism: loss of function.

Submission:

Ambry Genetics
Classification: Uncertain significance for Cystic fibrosis. Last evaluated: 2025-08-13. Review status: criteria provided, single submitter. Criteria: Ambry Variant Classification Scheme 2023. Collection method: clinical testing. Allele origin: germline.
Comment: The p.N699D variant (also known as c.2095A>G), located in coding exon 14 of the CFTR gene, results from an A to G substitution at nucleotide position 2095. The asparagine at codon 699 is replaced by aspartic acid, an amino acid with highly similar properties. This amino acid position is conserved. In addition, the in silico prediction for this alteration is inconclusive. Based on the available evidence, the clinical significance of this variant remains unclear.